The following is an entry in ClinVar:

NM_012193.4(FZD4):c.1469C>T (p.Thr490Ile)

Genes: FZD4 (frizzled class receptor 4; minus strand), PRSS23 (serine protease 23; plus strand). Cytogenetic location: 11q14.2.
Variant type: single nucleotide variant.
Coding change: c.1469C>T on transcript NM_012193.4 (MANE Select); coding-DNA position 1469, C replaced by T.
Protein change: p.Thr490Ile; replaces threonine 490 with isoleucine.
Molecular consequence: missense variant. On other transcripts: non-coding transcript variant (2).
Genome position (GRCh38, 1-based): chr11:86,951,287, G>A on the plus strand (C>T on the coding strand, the complement: FZD4 is on the minus strand). VCF-style: chr11-86951287-G-A. GRCh37 (hg19) VCF-style: chr11-86662329-G-A.
Other names: short protein forms T490I.
Identifiers: ClinVar variation 2745256 (VCV002745256.3), dbSNP rs1291649915, ClinGen allele CA382011135.

ClinVar aggregate classification (germline): Uncertain significance (1 of 4 stars; one submission).

gnomAD v4.1: 1 of 1,614,118 alleles (0.000062%); no homozygotes.

Submission:

Labcorp Genetics (formerly Invitae), Labcorp
Classification: Uncertain significance. Last evaluated: 2023-07-19. Review status: criteria provided, single submitter. Criteria: Invitae Variant Classification Sherloc (09022015). Collection method: clinical testing. Allele origin: germline.
Comment: In summary, the available evidence is currently insufficient to determine the role of this variant in disease. Therefore, it has been classified as a Variant of Uncertain Significance. Advanced modeling of protein sequence and biophysical properties (such as structural, functional, and spatial information, amino acid conservation, physicochemical variation, residue mobility, and thermodynamic stability) performed at Invitae indicates that this missense variant is not expected to disrupt FZD4 protein function. This variant has not been reported in the literature in individuals affected with FZD4-related conditions. This variant is present in population databases (no rsID available, gnomAD 0.007%). This sequence change replaces threonine, which is neutral and polar, with isoleucine, which is neutral and non-polar, at codon 490 of the FZD4 protein (p.Thr490Ile).